The following is an entry in ClinVar:

NM_000384.3(APOB):c.5401C>T (p.Leu1801=)

Gene: APOB (apolipoprotein B; minus strand). Cytogenetic location: 2p24.1.
Variant type: single nucleotide variant.
Coding change: c.5401C>T on transcript NM_000384.3 (MANE Select); coding-DNA position 5401, C replaced by T.
Protein change: p.Leu1801=; no amino-acid change (leucine 1801 retained).
Molecular consequence: synonymous variant.
Genome position (GRCh38, 1-based): chr2:21,011,467, G>A on the plus strand (C>T on the coding strand, the complement: APOB is on the minus strand). VCF-style: chr2-21011467-G-A. GRCh37 (hg19) VCF-style: chr2-21234339-G-A.
Identifiers: ClinVar variation 3393013 (VCV003393013.1).
Genomic context (GRCh38, chr2:21,011,467, plus strand): 5'-GCTTCAGGGGTTCTAGCCGTAGTTTCCCATTGTTGGTGAGATCCAGAGCATTGTATTTCA[G>A]GTCACTGTTTAAAGTAGTTACCAGAGAATAGGGCTGTAGCTGTAAATTAACAGTTTGCTT-3'
Protein context (NP_000375.3, residues 1791-1811): YSLVTTLNSD[Leu1801=]KYNALDLTNN

ClinVar aggregate classification (germline): Likely benign (1 of 4 stars; one submission).

Conditions:
Familial hypercholesterolemia. Also called: Familial hypercholesterolaemia. Identifiers: MedGen C0020445, MONDO:0005439.

Submission:

GENinCode PLC
Classification: Likely benign for Familial hypercholesterolemia. Last evaluated: 2024-01-17. Review status: criteria provided, single submitter. Criteria: ACMG Guidelines, 2015. Collection method: clinical testing. Allele origin: germline.
Comment: This is a synonymous (silent) variant that is not predicted by SpliceAI to impact splicing. In addition, it occurs at a nucleotide that is not conserved. Therefore this variant has been classified as Likely Benign (BP4, BP7).